The following is an entry in ClinVar:

NM_006431.3(CCT2):c.622A>C (p.Ser208Arg)

Gene: CCT2 (chaperonin containing TCP1 subunit 2; plus strand). Cytogenetic location: 12q15.
Variant type: single nucleotide variant.
Coding change: c.622A>C on transcript NM_006431.3 (MANE Select); coding-DNA position 622, A replaced by C.
Protein change: p.Ser208Arg; replaces serine 208 with arginine.
Molecular consequence: missense variant.
Genome position (GRCh38, 1-based): chr12:69,589,660, A>C. VCF-style: chr12-69589660-A-C. GRCh37 (hg19) VCF-style: chr12-69983440-A-C.
Other names: c.481A>C, p.Ser161Arg (NM_001198842.2); short protein forms S208R, S161R.
Identifiers: ClinVar variation 1980070 (VCV001980070.5), dbSNP rs756659427, ClinGen allele CA6680617.

ClinVar aggregate classification (germline): Uncertain significance. Review status: criteria provided, multiple submitters, no conflicts (2 of 4 stars). 2 submissions from 2 submitters: Uncertain significance (2). Last evaluated 2026-01-15.

gnomAD v4.1: 6 of 1,613,348 alleles (0.00037%); highest among the groups gnomAD compares: Admixed American, 0.0067%; no homozygotes.

Submissions (2):

Labcorp Genetics (formerly Invitae), Labcorp
Classification: Uncertain significance. Last evaluated: 2026-01-15. Review status: criteria provided, single submitter. Criteria: Invitae Variant Classification Sherloc (09022015). Collection method: clinical testing. Allele origin: germline.
Comment: This sequence change replaces serine, which is neutral and polar, with arginine, which is basic and polar, at codon 208 of the CCT2 protein (p.Ser208Arg). This variant is present in population databases (rs756659427, gnomAD 0.009%). This variant has not been reported in the literature in individuals affected with CCT2-related conditions. ClinVar contains an entry for this variant (Variation ID: 1980070). An algorithm developed to predict the effect of missense changes on protein structure and function (PolyPhen-2) suggests that this variant is likely to be tolerated. In summary, the available evidence is currently insufficient to determine the role of this variant in disease. Therefore, it has been classified as a Variant of Uncertain Significance.

Ambry Genetics
Classification: Uncertain significance. Last evaluated: 2022-06-21. Review status: criteria provided, single submitter. Criteria: Ambry Variant Classification Scheme 2023. Collection method: clinical testing. Allele origin: germline.